The following is an entry in ClinVar:

ClinVar aggregate classification (germline): Uncertain significance. Review status: criteria provided, multiple submitters, no conflicts (2 of 4 stars). 2 submissions from 2 submitters: Uncertain significance (2). Last evaluated 2026-01-28.

Conditions:
Epidermolysis bullosa simplex 5B, with muscular dystrophy (EBS5B). Also called: EPIDERMOLYSIS BULLOSA SIMPLEX AND LIMB-GIRDLE MUSCULAR DYSTROPHY; Epidermolysis bullosa simplex with muscular dystrophy. Identifiers: Orphanet 257, MedGen C2931072, MONDO:0009181, OMIM 226670.
Epidermolysis bullosa simplex with nail dystrophy (EBS5D). Identifiers: MedGen C4225309, MONDO:0014661, OMIM 616487.
Epidermolysis bullosa simplex 5C, with pyloric atresia (EBS5C). Also called: PLEC-Related Epidermolysis Bullosa with Pyloric Atresia; Epidermolysis bullosa simplex with pyloric atresia; PLEC1-Related Epidermolysis Bullosa with Pyloric Atresia. Identifiers: Orphanet 158684, MedGen C2677349, MONDO:0012807, OMIM 612138.
Autosomal recessive limb-girdle muscular dystrophy type 2Q (LGMDR17). Also called: MUSCULAR DYSTROPHY, LIMB-GIRDLE, AUTOSOMAL RECESSIVE 17. Identifiers: Orphanet 254361, MedGen C3150989, MONDO:0013390, OMIM 613723.
Epidermolysis bullosa simplex, Ogna type (EBS5A). Also called: EPIDERMOLYSIS BULLOSA SIMPLEX 5A, OGNA TYPE; Pidermolysis bullosa simplex 5A, Ogna type. Identifiers: Orphanet 79401, MedGen C0432317, MONDO:0007555, OMIM 131950.

Submissions (2):

Labcorp Genetics (formerly Invitae), Labcorp
Classification: Uncertain significance for Autosomal recessive limb-girdle muscular dystrophy type 2Q; Epidermolysis bullosa simplex, Ogna type; Epidermolysis bullosa simplex with nail dystrophy; Epidermolysis bullosa simplex 5C, with pyloric atresia; Epidermolysis bullosa simplex 5B, with muscular dystrophy. Last evaluated: 2026-01-28. Review status: criteria provided, single submitter. Criteria: Invitae Variant Classification Sherloc (09022015). Collection method: clinical testing. Allele origin: germline.
Comment: This sequence change replaces arginine, which is basic and polar, with leucine, which is neutral and non-polar, at codon 2052 of the PLEC protein (p.Arg2052Leu). This variant is not present in population databases (gnomAD no frequency). This variant has not been reported in the literature in individuals affected with PLEC-related conditions. ClinVar contains an entry for this variant (Variation ID: 2435030). An algorithm developed to predict the effect of missense changes on protein structure and function (PolyPhen-2) suggests that this variant is likely to be tolerated. In summary, the available evidence is currently insufficient to determine the role of this variant in disease. Therefore, it has been classified as a Variant of Uncertain Significance.

Revvity Omics, Revvity
Classification: Uncertain significance. Last evaluated: 2019-06-13. Review status: criteria provided, single submitter. Criteria: ACMG Guidelines, 2015. Collection method: clinical testing. Allele origin: germline.

NM_201384.3(PLEC):c.6074G>T (p.Arg2025Leu)

Gene: PLEC (plectin; minus strand). Cytogenetic location: 8q24.3.
Variant type: single nucleotide variant.
Coding change: c.6074G>T on transcript NM_201384.3 (MANE Select); coding-DNA position 6074, G replaced by T.
Protein change: p.Arg2025Leu; replaces arginine 2025 with leucine.
Molecular consequence: missense variant.
Genome position (GRCh38, 1-based): chr8:143,923,855, C>A on the plus strand (G>T on the coding strand, the complement: PLEC is on the minus strand). VCF-style: chr8-143923855-C-A. GRCh37 (hg19) VCF-style: chr8-144998023-C-A.
Other names: c.6155G>T, p.Arg2052Leu (NM_000445.5); c.6032G>T, p.Arg2011Leu (NM_201378.4); c.6008G>T, p.Arg2003Leu (NM_201379.3); c.6485G>T, p.Arg2162Leu (NM_201380.4); c.5978G>T, p.Arg1993Leu (NM_201381.3); c.6074G>T, p.Arg2025Leu (NM_201382.4); c.6086G>T, p.Arg2029Leu (NM_201383.3); short protein forms R1993L, R2003L, R2011L, R2025L, R2029L, R2052L, R2162L.
Identifiers: ClinVar variation 2435030 (VCV002435030.4), dbSNP rs546512137, ClinGen allele CA372539332.